The following is an entry in ClinVar:

NM_000053.4(ATP7B):c.2071G>A (p.Gly691Arg)

Gene: ATP7B (ATPase copper transporting beta; minus strand). Cytogenetic location: 13q14.3.
Variant type: single nucleotide variant.
Coding change: c.2071G>A on transcript NM_000053.4 (MANE Select); coding-DNA position 2071, G replaced by A.
Protein change: p.Gly691Arg; replaces glycine 691 with arginine.
Molecular consequence: missense variant. On other transcripts: intron variant (2).
Genome position (GRCh38, 1-based): chr13:51,960,198, C>T on the plus strand (G>A on the coding strand, the complement: ATP7B is on the minus strand). VCF-style: chr13-51960198-C-T. GRCh37 (hg19) VCF-style: chr13-52534334-C-T.
Other names: c.1738G>A, p.Gly580Arg (NM_001243182.2); c.2071G>A, p.Gly691Arg (NM_001330578.2); c.1870-2591G>A (NM_001005918.3); c.1870-1654G>A (NM_001330579.2); short protein forms G691R, G580R.
Identifiers: ClinVar variation 3866 (VCV000003866.25), dbSNP rs121908001, ClinGen allele CA252903.

ClinVar aggregate classification (germline): Pathogenic/Likely pathogenic. Review status: criteria provided, multiple submitters, no conflicts (2 of 4 stars). 9 submissions from 9 submitters: Pathogenic (6); Likely pathogenic (1). 2 of the submissions do not count toward it. Last evaluated 2025-10-07.

Conditions:
Wilson disease (WND). Also called: Wilson's disease. Identifiers: Orphanet 905, MedGen C0019202, MONDO:0010200, OMIM 277900. Disease mechanism: loss of function.

Allele frequency attached by ClinVar (database versions not stated): gnomAD exomes below 0.00001.
gnomAD v4.1: 2 of 1,613,938 alleles (0.00012%); highest among the groups gnomAD compares: Non-Finnish European, 0.000085%; no homozygotes.

Submissions (9):

Natera, Inc.
Classification: Pathogenic for Wilson disease. Last evaluated: 2025-10-07. Review status: criteria provided, single submitter. Criteria: Natera Variant Classification Schema (03/2026). Collection method: clinical testing. Allele origin: germline.
Comment: The c.2071G>A variant in ATP7B is a missense variant predicted to cause substitution of glycine to arginine at amino acid 691. This variant is rare in the general population with a frequency below the threshold expected for the associated phenotype(s). This variant has been observed in one or more individuals affected with the associated recessive disease, as either homozygous or compound heterozygous with a second variant (PMID: 25497208, 17718866, 23389864). Additionally, this variant has been observed to segregate in affected family members (PMID: 17718866). Given the available evidence, this variant is classified as Pathogenic.

ARUP Laboratories, Molecular Genetics and Genomics, ARUP Laboratories
Classification: Pathogenic for Wilson disease. Last evaluated: 2024-05-14. Review status: criteria provided, single submitter. Criteria: ARUP Molecular Germline Variant Investigation Process 2024. Collection method: clinical testing. Allele origin: germline.
Comment: The ATP7B c.2071G>A; p.Gly691Arg variant (rs121908001) is reported in the literature in the homozygous or compound heterozygous state in several individuals affected with Wilson disease (Barada 2007, Barada 2017, Bost 2012, Couchonnal 2021, Denoyer 2013, Loudianos 1998). This variant is reported in ClinVar (Variation ID: 3866). This variant is also absent from the Genome Aggregation Database (v2.1.1), indicating it is not a common polymorphism. Additionally, other variants at this codon (c.2071G>C, p.Gly691Arg; c.2072G>T, p.Gly691Val) have been reported in individuals with Wilson disease and are considered disease causing (Aggarwal 2013, Paradisi 2015). Computational analyses predict that this variant is deleterious (REVEL: 0.977). Based on available information, this variant is considered to be pathogenic. References: Aggarwal A et al. Wilson disease mutation pattern with genotype-phenotype correlations from Western India: confirmation of p.C271* as a common Indian mutation and identification of 14 novel mutations. Ann Hum Genet. 2013 Jul;77(4):299-307. PMID: 23551039. Barada K et al. Early and severe liver disease associated with homozygosity for an exon 7 mutation, G691R, in Wilson's disease. Clin Genet. 2007 Sep;72(3):264-7. PMID: 17718866. Barada K et al. Wilson's disease in Lebanon and regional countries: Homozygosity and hepatic phenotype predominance. World J Gastroenterol. 2017 Sep 28;23(36):6715-6725. PMID: 29085216. Bost M et al. Molecular analysis of Wilson patients: direct sequencing and MLPA analysis in the ATP7B gene and Atox1 and COMMD1 gene analysis. J Trace Elem Med Biol. 2012 Jun;26(2-3):97-101. PMID: 22677543. Couchonnal E et al. ATP7B variant spectrum in a French pediatric Wilson disease cohort. Eur J Med Genet. 2021 Oct;64(10):104305. PMID: 34400371. Denoyer Y et al. Neurological Wilson's disease lethal for the son, asymptomatic in the father. Mov Disord. 2013 Mar;28(3):402-3. PMID: 23389864. Loudianos G et al. Further delineation of the molecular pathology of Wilson disease in the Mediterranean population. Hum Mutat. 1998;12(2):89-94. PMID: 9671269. Paradisi I et al. Most frequent mutation c.3402delC (p.Ala1135GlnfsX13) among Wilson disease patients in Venezuela has a wide distribution and two old origins. Eur J Med Genet. 2015 Feb;58(2):59-65. PMID: 25497208.

Baylor Genetics
Classification: Pathogenic for Wilson disease. Last evaluated: 2024-03-16. Review status: criteria provided, single submitter. Criteria: ACMG Guidelines, 2015. Collection method: clinical testing. Allele origin: unknown.

Labcorp Genetics (formerly Invitae), Labcorp
Classification: Pathogenic for Wilson disease. Last evaluated: 2023-12-11. Review status: criteria provided, single submitter. Criteria: Invitae Variant Classification Sherloc (09022015). Collection method: clinical testing. Allele origin: germline.
Comment: This sequence change replaces glycine, which is neutral and non-polar, with arginine, which is basic and polar, at codon 691 of the ATP7B protein (p.Gly691Arg). This variant is not present in population databases (gnomAD no frequency). This missense change has been observed in individual(s) with Wilson disease (PMID: 9671269, 17718866, 23389864). It has also been observed to segregate with disease in related individuals. ClinVar contains an entry for this variant (Variation ID: 3866). Advanced modeling of protein sequence and biophysical properties (such as structural, functional, and spatial information, amino acid conservation, physicochemical variation, residue mobility, and thermodynamic stability) performed at Invitae indicates that this missense variant is expected to disrupt ATP7B protein function with a positive predictive value of 80%. For these reasons, this variant has been classified as Pathogenic.

All of Us Research Program, National Institutes of Health
Classification: Pathogenic for Wilson disease. Last evaluated: 2023-04-03. Review status: criteria provided, single submitter. Criteria: ACMG Guidelines, 2015. Collection method: clinical testing. Allele origin: germline. Inheritance: Autosomal recessive inheritance. Observed: 1 variant allele, 1 heterozygote.
Comment: This missense variant replaces glycine with arginine at codon 691 of the ATP7B protein. Computational prediction suggests that this variant may have deleterious impact on protein structure and function (internally defined REVEL score threshold >= 0.7, PMID: 27666373). Functional studies conducted in transfected Chinese hamster ovary cells have shown that this variant results in reduced protein expression and decreased cell growth in the presence of copper (Scvortova 2013). This variant has been observed in individuals affected with autosomal recessive Wilson disease (PMID: 9671269, 17718866, 22677543, 23389864, 23551039, 34400371). In several of these individuals, this variant was confirmed to be in the homozygous state or in the compound heterozygous state with a pathogenic variant in the same gene (PMID: 17718866, 23389864, 23551039), indicating that this variant contributes to disease. This variant has not been identified in the general population by the Genome Aggregation Database (gnomAD). A different variant occurring at the same codon, p.Gly691Val, is a pathogenic mutation (Clinvar Variation ID: 555245), indicating that glycine at this position is important for ATP7B protein function. Based on the available evidence, this variant is classified as Pathogenic.

This study involves interpretation of variants in research participants for the purpose of population health screening. Participant phenotype was not available at the time of variant classification. Additional details can be found in publication PMID: 35346344, PMCID: PMC8962531

Women's Health and Genetics/Laboratory Corporation of America, LabCorp
Classification: Pathogenic for Wilson disease. Last evaluated: 2022-12-05. Review status: criteria provided, single submitter. Criteria: LabCorp Variant Classification Summary - May 2015. Collection method: clinical testing. Allele origin: germline.
Comment: Variant summary: ATP7B c.2071G>A (p.Gly691Arg) results in a non-conservative amino acid change located in the TM2 domain (Loudianos_1998) of the encoded protein sequence. Five of five in-silico tools predict a damaging effect of the variant on protein function. The variant was absent in 249376 control chromosomes (gnomAD and publication data). c.2071G>A has been reported in the literature in multiple individuals affected with Wilson Disease, including homozygotes (Loudianos_1998, Barada_2007, Couchonnal_2021). These data indicate that the variant is very likely to be associated with disease. To our knowledge, no experimental evidence demonstrating an impact on protein function has been reported. Three clinical diagnostic laboratories have submitted clinical-significance assessments for this variant to ClinVar after 2014 without evidence for independent evaluation. All laboratories classified the variant as pathogenic (n=2) and likely pathogenic (n=1). Based on the evidence outlined above, the variant was classified as pathogenic.

Genome-Nilou Lab
Classification: Likely pathogenic for Wilson disease. Last evaluated: 2021-08-10. Review status: criteria provided, single submitter. Criteria: ACMG Guidelines, 2015. Collection method: clinical testing. Allele origin: germline. Affected: no.

Counsyl
Classification: Likely pathogenic for Wilson's disease. Last evaluated: 2014-09-24. Review status: no assertion criteria provided. Collection method: literature only. Allele origin: unknown. Inheritance: Autosomal recessive inheritance. Not counted in ClinVar's aggregate classification.

OMIM
Classification: Pathogenic for WILSON DISEASE. Last evaluated: 2007-09-01. Review status: no assertion criteria provided. Collection method: literature only. Allele origin: germline. Not counted in ClinVar's aggregate classification.

Literature cited by the submitters: PubMed 25497208 (cited by Natera, Inc.); PubMed 17718866 (cited by 6 submitters); PubMed 23389864 (cited by 3 submitters); PubMed 9671269 (cited by 4 submitters); PubMed 22677543 (cited by All of Us Research Program, National Institutes of Health and Counsyl); PubMed 23551039 (cited by All of Us Research Program, National Institutes of Health and Counsyl); PubMed 34400371 (cited by All of Us Research Program, National Institutes of Health and Women's Health and Genetics/Laboratory Corporation of America, LabCorp).